The following is an entry in ClinVar:

NC_000005.10:g.112707483A>T

Genes: APC (APC regulator of Wnt signaling pathway; plus strand), LOC129994371 (ATAC-STARR-seq lymphoblastoid active region 22910; plus strand). Cytogenetic location: 5q22.2.
Variant type: single nucleotide variant.
Genome position: GRCh38 VCF-style: chr5-112707483-A-T. GRCh37 (hg19) VCF-style: chr5-112043180-A-T.
Identifiers: ClinVar variation 1963024 (VCV001963024.6), dbSNP rs2531734179, ClinGen allele CA2580072258.
Genomic context (GRCh38, chr5:112,707,483, plus strand): 5'-AGCACCCATTGCGCCTGCGCATAACAGGCTCTAGTCTCCGGGCTGTGGGAAGCCAGCAAC[A>T]CCTCTCACGCATGCGCATTGTAGTCTTCCCACCTCCCACAAGATGGCGGAGGGCAAGTAG-3'

ClinVar aggregate classification (germline): Uncertain significance (1 of 4 stars; one submission).

Conditions:
Familial adenomatous polyposis 1 (FAP1). Also called: FAMILIAL ADENOMATOUS POLYPOSIS 1, ATTENUATED; POLYPOSIS, ADENOMATOUS INTESTINAL. Identifiers: MedGen C2713442, MONDO:0021056, OMIM 175100. Disease mechanism: loss of function.

Submission:

Labcorp Genetics (formerly Invitae), Labcorp
Classification: Uncertain significance for Familial adenomatous polyposis 1. Last evaluated: 2022-04-11. Review status: criteria provided, single submitter. Criteria: Invitae Variant Classification Sherloc (09022015). Collection method: clinical testing. Allele origin: germline.
Comment: This variant occurs in a non-coding region of the APC gene. It does not change the encoded amino acid sequence of the APC protein. This variant is not present in population databases (gnomAD no frequency). This variant has not been reported in the literature in individuals affected with APC-related conditions. Experimental studies and prediction algorithms are not available or were not evaluated, and the functional significance of this variant is currently unknown. In summary, the available evidence is currently insufficient to determine the role of this variant in disease. Therefore, it has been classified as a Variant of Uncertain Significance.